The following is an entry in ClinVar:

NM_198253.3(TERT):c.1951-5G>A

Gene: TERT (telomerase reverse transcriptase; minus strand). Cytogenetic location: 5p15.33.
Variant type: single nucleotide variant.
Coding change: c.1951-5G>A on transcript NM_198253.3 (MANE Select); 5 bases into the intron before coding-DNA position 1951, G replaced by A.
Molecular consequence: intron variant.
Genome position (GRCh38, 1-based): chr5:1,279,475, C>T on the plus strand (G>A on the coding strand, the complement: TERT is on the minus strand). VCF-style: chr5-1279475-C-T. GRCh37 (hg19) VCF-style: chr5-1279590-C-T.
Other names: c.1951-5G>A (NM_001193376.3).
Identifiers: ClinVar variation 471837 (VCV000471837.14), dbSNP rs770214413, ClinGen allele CA3184701.
Genomic context (GRCh38, chr5:1,279,475, plus strand): 5'-CGCTCGTAGTTGAGCACGCTGAACAGTGCCTTCACCCTCGAGGTGAGACGCTCGGCCTGG[C>T]GGGGACAGCATGGGAGACAGTCAGGAAAGTGGATCCGGCCAAGTGCCCACCCCACCATAG-3'

ClinVar aggregate classification (germline): Conflicting classifications of pathogenicity. Review status: criteria provided, conflicting classifications (1 of 4 stars). 3 submissions from 3 submitters: Uncertain significance (1); Likely benign (2). Last evaluated 2025-10-06.

Conditions:
Idiopathic Pulmonary Fibrosis. Also called: Idiopathic fibrosing alveolitis, chronic form; idiopathic fibrosing alveolitis. Identifiers: Orphanet 2032, MedGen C1800706, MeSH D054990, MONDO:0800504.
Dyskeratosis congenita, autosomal dominant 2. Identifiers: MedGen C3151443, MONDO:0013521, OMIM 613989.
TERT-related disorder. Also called: TERT-related disorders; TERT-related condition.
Dyskeratosis congenita. Identifiers: Orphanet 1775, MedGen C0265965, MONDO:0015780.

Allele frequency attached by ClinVar (database versions not stated): gnomAD exomes 0.00003; ExAC 0.00014.
gnomAD v4.1: 22 of 1,548,508 alleles (0.0014%); highest among the groups gnomAD compares: East Asian, 0.0098%; no homozygotes.

Submissions (3):

Labcorp Genetics (formerly Invitae), Labcorp
Classification: Likely benign for Dyskeratosis congenita, autosomal dominant 2; Idiopathic Pulmonary Fibrosis. Last evaluated: 2025-10-06. Review status: criteria provided, single submitter. Criteria: Invitae Variant Classification Sherloc (09022015). Collection method: clinical testing. Allele origin: germline.

PreventionGenetics, part of Exact Sciences
Classification: Likely benign for TERT-related condition. Last evaluated: 2025-08-06. Review status: criteria provided, single submitter. Criteria: ACMG Guidelines, 2015. Collection method: clinical testing. Allele origin: germline.
Comment: This variant is classified as likely benign based on ACMG/AMP sequence variant interpretation guidelines (Richards et al. 2015 PMID: 25741868, with internal and published modifications).

Ambry Genetics
Classification: Uncertain significance for Dyskeratosis congenita. Last evaluated: 2025-04-16. Review status: criteria provided, single submitter. Criteria: Ambry Variant Classification Scheme 2023. Collection method: clinical testing. Allele origin: germline.
Comment: The c.1951-5G>A intronic variant results from a G to A substitution 5 nucleotides upstream from coding exon 5 in the TERT gene. This nucleotide position is not well conserved in available vertebrate species. In silico splice site analysis predicts that this alteration will not have any significant effect on splicing. Based on the available evidence, the clinical significance of this variant remains unclear.